The following is an entry in ClinVar:

NM_207421.4(PADI6):c.19C>T (p.Arg7Ter)

Gene: PADI6 (peptidyl arginine deiminase 6; plus strand). Cytogenetic location: 1p36.13.
Variant type: single nucleotide variant.
Coding change: c.19C>T on transcript NM_207421.4 (MANE Select); coding-DNA position 19, C replaced by T.
Protein change: p.Arg7Ter; replaces arginine 7 with a stop codon.
Molecular consequence: nonsense.
Genome position (GRCh38, 1-based): chr1:17,372,264, C>T. VCF-style: chr1-17372264-C-T. GRCh37 (hg19) VCF-style: chr1-17698759-C-T.
Other names: short protein forms R7*.
Identifiers: ClinVar variation 3382509 (VCV003382509.2).

ClinVar aggregate classification (germline): Likely pathogenic (1 of 4 stars; one submission).

Conditions:
Oocyte/zygote/embryo maturation arrest 16. Also called: Preimplantation embryonic lethality 2. Identifiers: MedGen C4310659, MONDO:1010200, OMIM 617234.

Submission:

Juno Genomics, Hangzhou Juno Genomics, Inc
Classification: Likely pathogenic for Oocyte/zygote/embryo maturation arrest 16. Review status: criteria provided, single submitter. Criteria: ACMG Guidelines, 2015. Collection method: clinical testing. Allele origin: germline. Affected: yes.
Comment: Absent from controls (or at extremely low frequency if recessive) in Genome Aggregation Database, Exome Sequencing Project, 1000 Genomes Project, or Exome Aggregation Consortium.;Null variant in a gene where loss of function (LOF) is a known mechanism of disease.